The following is an entry in ClinVar:

NM_139318.5(KCNH5):c.2030G>T (p.Arg677Leu)

Gene: KCNH5 (potassium voltage-gated channel subfamily H member 5; minus strand). Cytogenetic location: 14q23.2.
Variant type: single nucleotide variant.
Coding change: c.2030G>T on transcript NM_139318.5 (MANE Select); coding-DNA position 2030, G replaced by T.
Protein change: p.Arg677Leu; replaces arginine 677 with leucine.
Molecular consequence: missense variant. On other transcripts: synonymous variant (1).
Genome position (GRCh38, 1-based): chr14:62,708,445, C>A on the plus strand (G>T on the coding strand, the complement: KCNH5 is on the minus strand). VCF-style: chr14-62708445-C-A. GRCh37 (hg19) VCF-style: chr14-63175163-C-A.
Other names: c.1833G>T, p.Ser611= (NM_172375.3); short protein forms R677L.
Identifiers: ClinVar variation 2190576 (VCV002190576.4), dbSNP rs763607260, ClinGen allele CA390101504.

ClinVar aggregate classification (germline): Uncertain significance (1 of 4 stars; one submission).

Conditions:
Early-infantile DEE. Also called: Early infantile epileptic encephalopathy with suppression bursts; Early infantile epileptic encephalopathy; Ohtahara syndrome. Identifiers: Orphanet 1934, MedGen C0393706, MONDO:0800491.

gnomAD v4.1: 1 of 1,589,866 alleles (0.000063%); highest among the groups gnomAD compares: Non-Finnish European, 0.000086%; no homozygotes.

Submission:

Labcorp Genetics (formerly Invitae), Labcorp
Classification: Uncertain significance for Early-infantile DEE. Last evaluated: 2023-04-26. Review status: criteria provided, single submitter. Criteria: Invitae Variant Classification Sherloc (09022015). Collection method: clinical testing. Allele origin: germline.
Comment: This variant is not present in population databases (gnomAD no frequency). This sequence change replaces arginine, which is basic and polar, with leucine, which is neutral and non-polar, at codon 677 of the KCNH5 protein (p.Arg677Leu). This variant has not been reported in the literature in individuals affected with KCNH5-related conditions. ClinVar contains an entry for this variant (Variation ID: 2190576). An algorithm developed to predict the effect of missense changes on protein structure and function (PolyPhen-2) suggests that this variant is likely to be disruptive. In summary, the available evidence is currently insufficient to determine the role of this variant in disease. Therefore, it has been classified as a Variant of Uncertain Significance.